The following is an entry in ClinVar:

ClinVar aggregate classification (germline): Uncertain significance (1 of 4 stars; one submission).

Conditions:
Hereditary spastic paraplegia 39 (SPG39). Also called: SPASTIC PARAPLEGIA 39, AUTOSOMAL RECESSIVE; Spastic Paraplegia Type 39 (SPG39). Identifiers: Orphanet 139480, MedGen C2677586, MONDO:0012787, OMIM 612020.

gnomAD v4.1: 1 of 1,612,082 alleles (0.000062%); highest among the groups gnomAD compares: Non-Finnish European, 0.000085%; no homozygotes.

Submission:

Labcorp Genetics (formerly Invitae), Labcorp
Classification: Uncertain significance for Hereditary spastic paraplegia 39. Last evaluated: 2020-01-24. Review status: criteria provided, single submitter. Criteria: Invitae Variant Classification Sherloc (09022015). Collection method: clinical testing. Allele origin: germline.
Comment: In summary, the available evidence is currently insufficient to determine the role of this variant in disease. Therefore, it has been classified as a Variant of Uncertain Significance. Algorithms developed to predict the effect of missense changes on protein structure and function (SIFT, PolyPhen-2, Align-GVGD) all suggest that this variant is likely to be tolerated, but these predictions have not been confirmed by published functional studies and their clinical significance is uncertain. This variant has not been reported in the literature in individuals with PNPLA6-related conditions. This variant is present in population databases (rs143072391, ExAC 0.002%). This sequence change replaces glutamine with lysine at codon 1200 of the PNPLA6 protein (p.Gln1200Lys). The glutamine residue is moderately conserved and there is a small physicochemical difference between glutamine and lysine.

NM_001166114.2(PNPLA6):c.3712C>A (p.Gln1238Lys)

Gene: PNPLA6 (patatin like domain 6, lysophospholipase; plus strand). Cytogenetic location: 19p13.2.
Variant type: single nucleotide variant.
Coding change: c.3712C>A on transcript NM_001166114.2 (MANE Select); coding-DNA position 3712, C replaced by A.
Protein change: p.Gln1238Lys; replaces glutamine 1238 with lysine.
Molecular consequence: missense variant.
Genome position (GRCh38, 1-based): chr19:7,560,660, C>A. VCF-style: chr19-7560660-C-A. GRCh37 (hg19) VCF-style: chr19-7625546-C-A.
Other names: c.3742C>A, p.Gln1248Lys (NM_001166111.2); c.3517C>A, p.Gln1173Lys (NM_001166112.2); c.3598C>A, p.Gln1200Lys (NM_001166113.1, NM_006702.5); short protein forms Q1173K, Q1200K, Q1238K, Q1248K.
Identifiers: ClinVar variation 959018 (VCV000959018.9), dbSNP rs143072391, ClinGen allele CA9140559.